The following is an entry in ClinVar:

NM_000548.5(TSC2):c.4323dup (p.Glu1442fs)

Gene: TSC2 (TSC complex subunit 2; plus strand). Cytogenetic location: 16p13.3.
Variant type: Duplication.
Coding change: c.4323dup on transcript NM_000548.5 (MANE Select); coding-DNA position 4323, one base duplicated (C; older notation c.4323dupC).
Protein change: p.Glu1442fs; shifts the reading frame from glutamic acid 1442.
Molecular consequence: frameshift variant.
Genome position (GRCh38, 1-based): chr16:2,084,545, C duplicated; the last of 3 consecutive C bases (chr16:2,084,543-2,084,545); duplicating any one gives the same sequence. VCF-style (leftmost placement, unchanged base first): chr16-2084542-G-GC. GRCh37 (hg19) VCF-style: chr16-2134543-G-GC.
Other names: c.4122dup, p.Glu1375fs (NM_001077183.3); c.4254dup, p.Glu1419fs (NM_001114382.3); c.4014dup, p.Glu1339fs (NM_001318827.2); c.3978dup, p.Glu1327fs (NM_001318829.2); c.3591dup, p.Glu1198fs (NM_001318831.2); c.4155dup, p.Glu1386fs (NM_001318832.2); c.4125dup, p.Glu1376fs (NM_001363528.2); c.4191dup, p.Glu1398fs (NM_001370404.1); and 1 more; short protein forms E1327fs, E1376fs, E1419fs, E1442fs, E1198fs, E1386fs, E1398fs, E1399fs.
Identifiers: ClinVar variation 49525 (VCV000049525.3), dbSNP rs137854327, ClinGen allele CA020272.
Genomic context (GRCh38, chr16:2,084,542, plus strand): 5'-AGGGACCCTGGACGGGGAAAGTGCTGCCTGGTCGGCCTCGGGCGAAGACAGTCGGGGCCA[G>GC]CCCGAGGGTCCCTTGCCTTCCAGCTCCCCCCGCTCGCCCAGTGGCCTCCGGCCCCGAGGT-3'

ClinVar aggregate classification (germline): Pathogenic. Review status: criteria provided, single submitter (1 of 4 stars). 2 submissions from 2 submitters: Pathogenic (1). 1 of the submissions does not count toward it. Last evaluated 2019-02-01.

Conditions:
Tuberous sclerosis syndrome (TSC). Also called: Tuberous Sclerosis Complex; Tuberous sclerosis. Identifiers: Orphanet 805, MedGen C0041341, MONDO:0001734.

Submissions (2):

Laboratory for Molecular Medicine, Mass General Brigham Personalized Medicine
Classification: Pathogenic for Tuberous sclerosis syndrome. Last evaluated: 2019-02-01. Review status: criteria provided, single submitter. Criteria: ACMG Guidelines, 2015. Collection method: clinical testing. Allele origin: germline. Inheritance: Autosomal dominant inheritance.
Comment: The p.Glu1442fs variant in TSC2 has been previously reported in 1 individual with tuberous sclerosis (LOVD database) and was absent from large population studies. It has been reported in ClinVar (Variation ID 49525). This variant is predicted to cause a frameshift, which alters the protein’s amino acid sequence beginning at position 1442 and leads to a premature termination codon 82 amino acids downstream. This alteration is then predicted to lead to a truncated or absent protein. Heterozygous loss of function of the TSC2 gene is an established disease mechanism in tuberous sclerosis. In summary, this variant meets criteria to be classified as pathogenic for tuberous sclerosis in an autosomal dominant manner. ACMG/AMP Criteria applied: PVS1, PM2, PS4_P (Richards 2015).

Tuberous sclerosis database (TSC2)
No classification provided. Condition: TSC. Review status: no classification provided. Criteria: Tuberous Sclerosis Database Assertion Criteria 2015. Collection method: curation. Allele origin: germline. Affected: yes. Not counted in ClinVar's aggregate classification.